The following is an entry in ClinVar:

ClinVar aggregate classification (germline): Uncertain significance (1 of 4 stars; one submission).

Conditions:
Peroxisome biogenesis disorder. Identifiers: Orphanet 79189, MedGen C1832200, MONDO:0019234. Disease mechanism: loss of function.

Allele frequency attached by ClinVar (database versions not stated): ExAC 0.00001; gnomAD 0.00001; gnomAD exomes 0.00001; TOPMed 0.00001.
gnomAD v4.1: 18 of 1,614,010 alleles (0.0011%); highest among the groups gnomAD compares: Middle Eastern, 0.016%; no homozygotes.

Submission:

Labcorp Genetics (formerly Invitae), Labcorp
Classification: Uncertain significance for Peroxisome biogenesis disorder. Last evaluated: 2024-01-22. Review status: criteria provided, single submitter. Criteria: Invitae Variant Classification Sherloc (09022015). Collection method: clinical testing. Allele origin: germline.
Comment: This sequence change replaces valine, which is neutral and non-polar, with isoleucine, which is neutral and non-polar, at codon 142 of the PEX16 protein (p.Val142Ile). This variant is present in population databases (rs764718228, gnomAD 0.006%). This variant has not been reported in the literature in individuals affected with PEX16-related conditions. ClinVar contains an entry for this variant (Variation ID: 2151243). Advanced modeling of protein sequence and biophysical properties (such as structural, functional, and spatial information, amino acid conservation, physicochemical variation, residue mobility, and thermodynamic stability) performed at Invitae indicates that this missense variant is not expected to disrupt PEX16 protein function with a negative predictive value of 80%. In summary, the available evidence is currently insufficient to determine the role of this variant in disease. Therefore, it has been classified as a Variant of Uncertain Significance.

NM_004813.4(PEX16):c.424G>A (p.Val142Ile)

Gene: PEX16 (peroxisomal biogenesis factor 16; minus strand). Cytogenetic location: 11p11.2.
Variant type: single nucleotide variant.
Coding change: c.424G>A on transcript NM_004813.4 (MANE Select); coding-DNA position 424, G replaced by A.
Protein change: p.Val142Ile; replaces valine 142 with isoleucine.
Molecular consequence: missense variant.
Genome position (GRCh38, 1-based): chr11:45,915,504, C>T on the plus strand (G>A on the coding strand, the complement: PEX16 is on the minus strand). VCF-style: chr11-45915504-C-T. GRCh37 (hg19) VCF-style: chr11-45937055-C-T.
Other names: c.424G>A, p.Val142Ile (NM_057174.3); short protein forms V142I.
Identifiers: ClinVar variation 2151243 (VCV002151243.2), dbSNP rs764718228, ClinGen allele CA5959978.